The following is an entry in ClinVar:

NM_001144869.3(LIPT2):c.314T>G (p.Leu105Arg)

Genes: LIPT2-AS1 (LIPT2 antisense RNA 1; plus strand), LIPT2 (lipoyl(octanoyl) transferase 2; minus strand). Cytogenetic location: 11q13.4.
Variant type: single nucleotide variant.
Coding change: c.314T>G on transcript NM_001144869.3 (MANE Select); coding-DNA position 314, T replaced by G.
Protein change: p.Leu105Arg; replaces leucine 105 with arginine.
Molecular consequence: missense variant. On other transcripts: intron variant (1).
Genome position (GRCh38, 1-based): chr11:74,493,390, A>C on the plus strand (T>G on the coding strand, the complement: LIPT2 is on the minus strand). VCF-style: chr11-74493390-A-C. GRCh37 (hg19) VCF-style: chr11-74204435-A-C.
Other names: NM_001144869.1:c.314T>G(p.Leu105Arg); c.314T>G, p.Leu105Arg (NM_001329941.2); c.237+77T>G (NM_001329942.2); short protein forms L105R.
Identifiers: ClinVar variation 438641 (VCV000438641.6), dbSNP rs1190703859, ClinGen allele CA381976640.

ClinVar aggregate classification (germline): Pathogenic/Likely pathogenic. Review status: criteria provided, multiple submitters, no conflicts (2 of 4 stars). 4 submissions from 4 submitters: Pathogenic (1); Likely pathogenic (2). 1 of the submissions does not count toward it. Last evaluated 2020-10-23.

Conditions:
Encephalopathy, neonatal severe, with lactic acidosis and brain abnormalities (NELABA). Also called: Lipoyl transferase 2 deficiency; LIPOYLTRANSFERASE 2 DEFICIENCY. Identifiers: Orphanet 447795, MedGen C5681203, MONDO:0060562, OMIM 617668.

Allele frequency attached by ClinVar (database versions not stated): gnomAD exomes below 0.00001; gnomAD 0.00001; TOPMed 0.00001.
gnomAD v4.1: 3 of 1,515,072 alleles (0.0002%); highest among the groups gnomAD compares: Non-Finnish European, 0.00026%; no homozygotes.

Submissions (4):

Institute of Medical Genetics and Applied Genomics, University Hospital Tübingen
Classification: Likely pathogenic. Last evaluated: 2020-10-23. Review status: criteria provided, single submitter. Criteria: ACMG Guidelines, 2015. Collection method: clinical testing. Allele origin: germline. Inheritance: Autosomal recessive inheritance. Affected: yes.

SIB Swiss Institute of Bioinformatics
Classification: Likely pathogenic for Encephalopathy, neonatal severe, with lactic acidosis and brain abnormalities. Last evaluated: 2018-04-16. Review status: criteria provided, single submitter. Criteria: ACMG Guidelines, 2015. Collection method: curation. Allele origin: germline.
Comment: This variant is interpreted as a Likely Pathogenic, for Encephalopathy, neonatal severe, with lactic acidosis and brain abnormalities, Autosomal Recessive inheritance. The following ACMG Tag(s) were applied: PS3 => Well-established functional studies show a deleterious effect (PMID:28757203). PP3 => Multiple lines of computational evidence support a deleterious effect on the gene or gene product. PM2 => Absent from controls (or at extremely low frequency if recessive) in Exome Sequencing Project, 1000 Genomes Project, or Exome Aggregation Consortium. PM3 => For recessive disorders, detected in trans with a pathogenic variant (PMID:28757203).

Institute of Human Genetics Munich, TUM University Hospital
Classification: Pathogenic for Encephalopathy, neonatal severe, with lactic acidosis and brain abnormalities. Last evaluated: 2018-01-04. Review status: criteria provided, single submitter. Criteria: Classification criteria August 2017. Collection method: clinical testing. Allele origin: germline. Inheritance: Autosomal recessive inheritance. Affected: yes. Observed: 1 compound heterozygote.

OMIM
Classification: Pathogenic for ENCEPHALOPATHY, NEONATAL SEVERE, WITH LACTIC ACIDOSIS AND BRAIN ABNORMALITIES. Last evaluated: 2017-09-15. Review status: no assertion criteria provided. Collection method: literature only. Allele origin: germline. Not counted in ClinVar's aggregate classification.

Literature cited by the submitters: PubMed 28757203 (cited by 3 submitters).